The following is an entry in ClinVar:

NM_015450.3(POT1):c.1192G>T (p.Asp398Tyr)

Gene: POT1 (protection of telomeres 1; minus strand). Cytogenetic location: 7q31.33.
Variant type: single nucleotide variant.
Coding change: c.1192G>T on transcript NM_015450.3 (MANE Select); coding-DNA position 1192, G replaced by T.
Protein change: p.Asp398Tyr; replaces aspartic acid 398 with tyrosine.
Molecular consequence: missense variant. On other transcripts: non-coding transcript variant (3).
Genome position (GRCh38, 1-based): chr7:124,841,150, C>A on the plus strand (G>T on the coding strand, the complement: POT1 is on the minus strand). VCF-style: chr7-124841150-C-A. GRCh37 (hg19) VCF-style: chr7-124481204-C-A.
Other names: c.799G>T, p.Asp267Tyr (NM_001042594.2); short protein forms D267Y, D398Y.
Identifiers: ClinVar variation 1745345 (VCV001745345.8), dbSNP rs758633070, ClinGen allele CA369067677.

ClinVar aggregate classification (germline): Uncertain significance. Review status: criteria provided, multiple submitters, no conflicts (2 of 4 stars). 2 submissions from 2 submitters: Uncertain significance (2). Last evaluated 2025-09-03.

Conditions:
Hereditary cancer-predisposing syndrome. Also called: Hereditary Cancer Syndrome; Hereditary neoplastic syndrome; Neoplastic Syndromes, Hereditary; Tumor predisposition. Identifiers: Orphanet 140162, MedGen C0027672, MeSH D009386, MONDO:0015356.
Tumor predisposition syndrome 3 (TPDS3). Also called: Melanoma, cutaneous malignant, susceptibility to, 10; Glioma susceptibility 9; LONG TELOMERE SYNDROME, POT1-RELATED; POT1 Tumor Predisposition. Identifiers: Orphanet 618, MedGen C4014476, MONDO:0014368, OMIM 615848.

Allele frequency attached by ClinVar (database versions not stated): gnomAD exomes below 0.00001.
gnomAD v4.1: 3 of 1,612,234 alleles (0.00019%); highest among the groups gnomAD compares: Non-Finnish European, 0.00017%; no homozygotes.

Submissions (2):

Ambry Genetics
Classification: Uncertain significance for Hereditary cancer-predisposing syndrome. Last evaluated: 2025-09-03. Review status: criteria provided, single submitter. Criteria: Ambry Variant Classification Scheme 2023. Collection method: clinical testing. Allele origin: germline.
Comment: The p.D398Y variant (also known as c.1192G>T), located in coding exon 10 of the POT1 gene, results from a G to T substitution at nucleotide position 1192. The aspartic acid at codon 398 is replaced by tyrosine, an amino acid with highly dissimilar properties. This amino acid position is well conserved in available vertebrate species. In addition, the in silico prediction for this alteration is inconclusive. Since supporting evidence is limited at this time, the clinical significance of this alteration remains unclear.

Labcorp Genetics (formerly Invitae), Labcorp
Classification: Uncertain significance for Tumor predisposition syndrome 3. Last evaluated: 2022-06-26. Review status: criteria provided, single submitter. Criteria: Invitae Variant Classification Sherloc (09022015). Collection method: clinical testing. Allele origin: germline.
Comment: In summary, the available evidence is currently insufficient to determine the role of this variant in disease. Therefore, it has been classified as a Variant of Uncertain Significance. Algorithms developed to predict the effect of sequence changes on RNA splicing suggest that this variant may disrupt the consensus splice site. Algorithms developed to predict the effect of missense changes on protein structure and function are either unavailable or do not agree on the potential impact of this missense change (SIFT: "Deleterious"; PolyPhen-2: "Benign"; Align-GVGD: "Class C35"). This variant has not been reported in the literature in individuals affected with POT1-related conditions. This variant is not present in population databases (gnomAD no frequency). This sequence change replaces aspartic acid, which is acidic and polar, with tyrosine, which is neutral and polar, at codon 398 of the POT1 protein (p.Asp398Tyr).